The following is an entry in ClinVar:

NM_015512.5(DNAH1):c.4905C>G (p.Phe1635Leu)

Gene: DNAH1 (dynein axonemal heavy chain 1; plus strand). Cytogenetic location: 3p21.1.
Variant type: single nucleotide variant.
Coding change: c.4905C>G on transcript NM_015512.5 (MANE Select); coding-DNA position 4905, C replaced by G.
Protein change: p.Phe1635Leu; replaces phenylalanine 1635 with leucine.
Molecular consequence: missense variant.
Genome position (GRCh38, 1-based): chr3:52,361,691, C>G. VCF-style: chr3-52361691-C-G. GRCh37 (hg19) VCF-style: chr3-52395707-C-G.
Other names: short protein forms F1635L.
Identifiers: ClinVar variation 1926233 (VCV001926233.5), dbSNP rs1241751948, ClinGen allele CA353136325.

ClinVar aggregate classification (germline): Uncertain significance (1 of 4 stars; one submission).

Conditions:
Spermatogenic failure 18. Identifiers: MedGen C4539783, MONDO:0054615, OMIM 617576.
Ciliary dyskinesia, primary, 37 (CILD37). Also called: CILIARY DYSKINESIA, PRIMARY, 37, WITH OR WITHOUT SITUS INVERSUS. Identifiers: MedGen C4539798, MONDO:0033204, OMIM 617577.

Allele frequency attached by ClinVar (database versions not stated): TOPMed below 0.00001.
gnomAD v4.1: 5 of 1,610,476 alleles (0.00031%); highest among the groups gnomAD compares: Non-Finnish European, 0.00042%; no homozygotes.

Submission:

Labcorp Genetics (formerly Invitae), Labcorp
Classification: Uncertain significance for Ciliary dyskinesia, primary, 37; Spermatogenic failure 18. Last evaluated: 2022-05-16. Review status: criteria provided, single submitter. Criteria: Invitae Variant Classification Sherloc (09022015). Collection method: clinical testing. Allele origin: germline.
Comment: This variant has not been reported in the literature in individuals affected with DNAH1-related conditions. In summary, the available evidence is currently insufficient to determine the role of this variant in disease. Therefore, it has been classified as a Variant of Uncertain Significance. Algorithms developed to predict the effect of missense changes on protein structure and function are either unavailable or do not agree on the potential impact of this missense change (SIFT: "Deleterious"; PolyPhen-2: "Probably Damaging"; Align-GVGD: "Class C15"). This variant is not present in population databases (gnomAD no frequency). This sequence change replaces phenylalanine, which is neutral and non-polar, with leucine, which is neutral and non-polar, at codon 1635 of the DNAH1 protein (p.Phe1635Leu).